The following is an entry in ClinVar:

ClinVar aggregate classification (germline): Uncertain significance (1 of 4 stars; one submission).

Conditions:
Early Myoclonic Encephalopathy. Identifiers: MedGen C0270855.

Allele frequency attached by ClinVar (database versions not stated): gnomAD exomes below 0.00001.
gnomAD v4.1: 1 of 1,613,178 alleles (0.000062%); highest among the groups gnomAD compares: African/African-American, 0.0013%; no homozygotes.

Submission:

Labcorp Genetics (formerly Invitae), Labcorp
Classification: Uncertain significance for Early Myoclonic Encephalopathy. Last evaluated: 2024-04-05. Review status: criteria provided, single submitter. Criteria: Invitae Variant Classification Sherloc (09022015). Collection method: clinical testing. Allele origin: germline.
Comment: This sequence change replaces histidine, which is basic and polar, with glutamine, which is neutral and polar, at codon 1899 of the JMJD1C protein (p.His1899Gln). This variant is present in population databases (no rsID available, gnomAD 0.007%). This variant has not been reported in the literature in individuals affected with JMJD1C-related conditions. ClinVar contains an entry for this variant (Variation ID: 1957052). Advanced modeling of protein sequence and biophysical properties (such as structural, functional, and spatial information, amino acid conservation, physicochemical variation, residue mobility, and thermodynamic stability) performed at Invitae indicates that this missense variant is not expected to disrupt JMJD1C protein function with a negative predictive value of 80%. In summary, the available evidence is currently insufficient to determine the role of this variant in disease. Therefore, it has been classified as a Variant of Uncertain Significance.

NM_032776.3(JMJD1C):c.5697C>G (p.His1899Gln)

Gene: JMJD1C (jumonji domain containing 1C; minus strand). Cytogenetic location: 10q21.3.
Variant type: single nucleotide variant.
Coding change: c.5697C>G on transcript NM_032776.3 (MANE Select); coding-DNA position 5697, C replaced by G.
Protein change: p.His1899Gln; replaces histidine 1899 with glutamine.
Molecular consequence: missense variant. On other transcripts: non-coding transcript variant (1).
Genome position (GRCh38, 1-based): chr10:63,194,323, G>C on the plus strand (C>G on the coding strand, the complement: JMJD1C is on the minus strand). VCF-style: chr10-63194323-G-C. GRCh37 (hg19) VCF-style: chr10-64954083-G-C.
Other names: c.5151C>G, p.His1717Gln (NM_001282948.2, NM_001318154.2); c.4833C>G, p.His1611Gln (NM_001318153.2); c.5583C>G, p.His1861Gln (NM_001322252.2); c.5040C>G, p.His1680Gln (NM_001322254.2, NM_001322258.2); short protein forms H1717Q, H1680Q, H1611Q, H1899Q, H1861Q.
Identifiers: ClinVar variation 1957052 (VCV001957052.5), dbSNP rs1449866057, ClinGen allele CA377028225.
Genomic context (GRCh38, chr10:63,194,323, plus strand): 5'-TTACATGAAGAAGATATACTTACCAGAACCAGGTATAATTTGGGTTGGCATTAAATGTTT[G>C]TGATCATGAGGCTGTCCCTTCACACACTTCATCCAAGCATATAGTTCTTTATCTGTAAGA-3'
Protein context (NP_116165.1, residues 1889-1909): MKCVKGQPHD[His1899Gln]KHLMPTQIIP